The following is an entry in ClinVar:

ClinVar aggregate classification (germline): Uncertain significance (1 of 4 stars; one submission).

Conditions:
Complex cortical dysplasia with other brain malformations 1. Identifiers: Orphanet 300570, MedGen C3808397, MONDO:0013541, OMIM 614039.
Fibrosis of extraocular muscles, congenital, 3A, with or without extraocular involvement. Also called: CONGENITAL FIBROSIS OF EXTRAOCULAR MUSCLES 3A; FEOM3 LOCUS. Identifiers: MedGen C2748801, MONDO:0010912, OMIM 600638.

Submission:

Juno Genomics, Hangzhou Juno Genomics, Inc
Classification: Uncertain significance for Complex cortical dysplasia with other brain malformations 1; Fibrosis of extraocular muscles, congenital, 3A, with or without extraocular involvement. Review status: criteria provided, single submitter. Criteria: ACMG Guidelines, 2015. Collection method: clinical testing. Allele origin: germline.
Comment: Absent from controls (or at extremely low frequency if recessive) in Genome Aggregation Database.;Multiple lines of computational evidence support a deleterious effect on the gene or gene product.;Missense variant in a gene that has a low rate of benign missense variation.

NM_006086.4(TUBB3):c.512C>T (p.Pro171Leu)

Gene: TUBB3 (tubulin beta 3 class III; plus strand). Cytogenetic location: 16q24.3.
Variant type: single nucleotide variant.
Coding change: c.512C>T on transcript NM_006086.4 (MANE Select); coding-DNA position 512, C replaced by T.
Protein change: p.Pro171Leu; replaces proline 171 with leucine.
Molecular consequence: missense variant.
Genome position (GRCh38, 1-based): chr16:89,934,963, C>T. VCF-style: chr16-89934963-C-T. GRCh37 (hg19) VCF-style: chr16-90001371-C-T.
Other names: c.296C>T, p.Pro99Leu (NM_001197181.2); short protein forms P171L, P99L.
Identifiers: ClinVar variation 5019565 (VCV005019565.2).
Genomic context (GRCh38, chr16:89,934,963, plus strand): 5'-TCATCAGCAAGGTGCGTGAGGAGTATCCCGACCGCATCATGAACACCTTCAGCGTCGTGC[C>T]CTCACCCAAGGTGTCAGACACGGTGGTGGAGCCCTACAACGCCACGCTGTCCATCCACCA-3'
Protein context (NP_006077.2, residues 161-181): DRIMNTFSVV[Pro171Leu]SPKVSDTVVE